The following is an entry in ClinVar:

NM_182760.4(SUMF1):c.1061C>T (p.Pro354Leu)

Gene: SUMF1 (sulfatase modifying factor 1; minus strand). Cytogenetic location: 3p26.1.
Variant type: single nucleotide variant.
Coding change: c.1061C>T on transcript NM_182760.4 (MANE Select); coding-DNA position 1061, C replaced by T.
Protein change: p.Pro354Leu; replaces proline 354 with leucine.
Molecular consequence: missense variant.
Genome position (GRCh38, 1-based): chr3:4,362,208, G>A on the plus strand (C>T on the coding strand, the complement: SUMF1 is on the minus strand). VCF-style: chr3-4362208-G-A. GRCh37 (hg19) VCF-style: chr3-4403892-G-A.
Other names: c.986C>T, p.Pro329Leu (NM_001164674.2); c.1001C>T, p.Pro334Leu (NM_001164675.2); short protein forms P329L, P334L, P354L.
Identifiers: ClinVar variation 2664916 (VCV002664916.1), dbSNP rs757841704, ClinGen allele CA2230326.

ClinVar aggregate classification (germline): Uncertain significance (1 of 4 stars; one submission).

Conditions:
Multiple sulfatase deficiency (MSD). Also called: Mucosulfatidosis; Multiple Sulfatase Deficiency Disease; Sulfatidosis, Juvenile, Austin Type. Identifiers: Orphanet 585, MedGen C0268263, MONDO:0010088, OMIM 272200.

Allele frequency attached by ClinVar (database versions not stated): ExAC 0.00001; gnomAD exomes 0.00001.
gnomAD v4.1: 4 of 1,614,216 alleles (0.00025%); highest among the groups gnomAD compares: Non-Finnish European, 0.00034%; no homozygotes.

Submission:

Neuberg Centre For Genomic Medicine, NCGM
Classification: Uncertain significance for Multiple sulfatase deficiency. Last evaluated: 2023-02-14. Review status: criteria provided, single submitter. Criteria: ACMG Guidelines, 2015. Collection method: clinical testing. Allele origin: germline. Inheritance: Autosomal recessive inheritance. Affected: yes.
Comment: The missense c.1061C>T(p.Pro354Leu) variant in SUMF1 gene has not been reported previously as a pathogenic variant nor as a benign variant, to our knowledge. The variant is reported with an allele frequency of 0.0004% in the gnomAD exomes database and is novel (not in any individuals) in 1000 Genomes database. This variant has not been reported to the ClinVar database. The amino acid change p.Pro354Leu in SUMF1 is predicted as conserved by GERP++ and PhyloP across 100 vertebrates. The amino acid Pro at position 354 is changed to a Leu changing protein sequence and it might alter its composition and physico-chemical properties. For these reasons, this variant has been classified as Variant of Uncertain Significance (VUS).